The following is an entry in ClinVar:

ClinVar aggregate classification (germline): Uncertain significance (0 of 4 stars; one submission).

Conditions:
ATRN-related disorder. Also called: ATRN-related condition.

gnomAD v4.1: 2 of 1,613,774 alleles (0.00012%); highest among the groups gnomAD compares: East Asian, 0.0022%; no homozygotes.

Submission:

PreventionGenetics, part of Exact Sciences
Classification: Uncertain significance for ATRN-related condition. Last evaluated: 2024-03-25. Review status: no assertion criteria provided. Collection method: clinical testing. Allele origin: germline.
Comment: The ATRN c.3617A>G variant is predicted to result in the amino acid substitution p.Asn1206Ser. To our knowledge, this variant has not been reported in the literature or in a large population database, indicating this variant is rare. At this time, the clinical significance of this variant is uncertain due to the absence of conclusive functional and genetic evidence.

NM_139321.3(ATRN):c.3617A>G (p.Asn1206Ser)

Gene: ATRN (attractin; plus strand). Cytogenetic location: 20p13.
Variant type: single nucleotide variant.
Coding change: c.3617A>G on transcript NM_139321.3 (MANE Select); coding-DNA position 3617, A replaced by G.
Protein change: p.Asn1206Ser; replaces asparagine 1206 with serine.
Molecular consequence: missense variant.
Genome position (GRCh38, 1-based): chr20:3,600,998, A>G. VCF-style: chr20-3600998-A-G. GRCh37 (hg19) VCF-style: chr20-3581645-A-G.
Other names: c.3269A>G, p.Asn1090Ser (NM_001207047.3); c.3617A>G, p.Asn1206Ser (NM_001323332.2, NM_139322.4); short protein forms N1090S, N1206S.
Identifiers: ClinVar variation 3349362 (VCV003349362.1).
Genomic context (GRCh38, chr20:3,600,998, plus strand): 5'-CTCATCAGCAAAACAGGGATTTGGACATGTTCATCAATGCCTCCAAGAATTTCAACCTCA[A>G]CATCACCTGGGCTGCCAGTTTCTCAGGTAAAGACATACCTAGAGAAGACCCCGCAAATGA-3'
Protein context (NP_647537.1, residues 1196-1216): FINASKNFNL[Asn1206Ser]ITWAASFSAG